The following is an entry in ClinVar:

NM_198525.3(KIF7):c.1635G>C (p.Trp545Cys)

Gene: KIF7 (kinesin family member 7; minus strand). Cytogenetic location: 15q26.1.
Variant type: single nucleotide variant.
Coding change: c.1635G>C on transcript NM_198525.3 (MANE Select); coding-DNA position 1635, G replaced by C.
Protein change: p.Trp545Cys; replaces tryptophan 545 with cysteine.
Molecular consequence: missense variant.
Genome position (GRCh38, 1-based): chr15:89,646,983, C>G on the plus strand (G>C on the coding strand, the complement: KIF7 is on the minus strand). VCF-style: chr15-89646983-C-G. GRCh37 (hg19) VCF-style: chr15-90190214-C-G.
Other names: short protein forms W545C.
Identifiers: ClinVar variation 2173635 (VCV002173635.1), dbSNP rs767823809, ClinGen allele CA7728502.

ClinVar aggregate classification (germline): Uncertain significance (1 of 4 stars; one submission).

Conditions:
Acrocallosal syndrome (ACLS). Also called: HALLUX DUPLICATION, POSTAXIAL POLYDACTYLY, AND ABSENCE OF CORPUS CALLOSUM; Schinzel syndrome 1; Absence of corpus callosum with unusual facial appearance, mental deficiency, duplication of the halluces and polydactyly. Identifiers: Orphanet 36, MedGen C0796147, MONDO:0008708, OMIM 200990.

Allele frequency attached by ClinVar (database versions not stated): TOPMed below 0.00001; ExAC 0.00001.
gnomAD v4.1: 49 of 1,613,172 alleles (0.003%); highest among the groups gnomAD compares: Non-Finnish European, 0.0041%; no homozygotes.

Submission:

Labcorp Genetics (formerly Invitae), Labcorp
Classification: Uncertain significance for Acrocallosal syndrome. Last evaluated: 2021-12-25. Review status: criteria provided, single submitter. Criteria: Invitae Variant Classification Sherloc (09022015). Collection method: clinical testing. Allele origin: germline.
Comment: This sequence change replaces tryptophan, which is neutral and slightly polar, with cysteine, which is neutral and slightly polar, at codon 545 of the KIF7 protein (p.Trp545Cys). This variant is present in population databases (rs767823809, gnomAD 0.0009%). This variant has not been reported in the literature in individuals affected with KIF7-related conditions. Algorithms developed to predict the effect of missense changes on protein structure and function are either unavailable or do not agree on the potential impact of this missense change (SIFT: "Deleterious"; PolyPhen-2: "Possibly Damaging"; Align-GVGD: "Class C0"). In summary, the available evidence is currently insufficient to determine the role of this variant in disease. Therefore, it has been classified as a Variant of Uncertain Significance.